The following is an entry in ClinVar:

NM_032119.4(ADGRV1):c.9896T>A (p.Ile3299Asn)

Gene: ADGRV1 (adhesion G protein-coupled receptor V1; plus strand). Cytogenetic location: 5q14.3.
Variant type: single nucleotide variant.
Coding change: c.9896T>A on transcript NM_032119.4 (MANE Select); coding-DNA position 9896, T replaced by A.
Protein change: p.Ile3299Asn; replaces isoleucine 3299 with asparagine.
Molecular consequence: missense variant. On other transcripts: non-coding transcript variant (1).
Genome position (GRCh38, 1-based): chr5:90,724,979, T>A. VCF-style: chr5-90724979-T-A. GRCh37 (hg19) VCF-style: chr5-90020796-T-A.
Other names: short protein forms I3299N.
Identifiers: ClinVar variation 1806621 (VCV001806621.4), dbSNP rs761728818, ClinGen allele CA3340616.

ClinVar aggregate classification (germline): Conflicting classifications of pathogenicity. Review status: criteria provided, conflicting classifications (1 of 4 stars). 2 submissions from 2 submitters: Uncertain significance (1); Likely benign (1). Last evaluated 2025-04-29.

Allele frequency attached by ClinVar (database versions not stated): ExAC 0.00002; gnomAD exomes below 0.00001.
gnomAD v4.1: 3 of 1,600,082 alleles (0.00019%); highest among the groups gnomAD compares: Admixed American, 0.0017%; no homozygotes.

Submissions (2):

Labcorp Genetics (formerly Invitae), Labcorp
Classification: Likely benign. Last evaluated: 2025-04-29. Review status: criteria provided, single submitter. Criteria: Invitae Variant Classification Sherloc (09022015). Collection method: clinical testing. Allele origin: germline.

GeneDx
Classification: Uncertain significance. Last evaluated: 2022-06-23. Review status: criteria provided, single submitter. Criteria: GeneDx Variant Classification Process June 2021. Collection method: clinical testing. Allele origin: germline. Affected: yes.
Comment: Not observed at significant frequency in large population cohorts (gnomAD); In silico analysis supports that this missense variant has a deleterious effect on protein structure/function; Has not been previously published as pathogenic or benign to our knowledge